The following is an entry in ClinVar:

NM_012418.4(FSCN2):c.1421C>T (p.Ser474Leu)

Gene: FSCN2 (fascin actin-bundling protein 2, retinal; plus strand). Cytogenetic location: 17q25.3.
Variant type: single nucleotide variant.
Coding change: c.1421C>T on transcript NM_012418.4 (MANE Select); coding-DNA position 1421, C replaced by T.
Protein change: p.Ser474Leu; replaces serine 474 with leucine.
Molecular consequence: missense variant.
Genome position (GRCh38, 1-based): chr17:81,537,022, C>T. VCF-style: chr17-81537022-C-T. GRCh37 (hg19) VCF-style: chr17-79504048-C-T.
Other names: c.1493C>T, p.Ser498Leu (NM_001077182.3); short protein forms S474L, S498L.
Identifiers: ClinVar variation 965943 (VCV000965943.12), dbSNP rs901478325, ClinGen allele CA295085959.

ClinVar aggregate classification (germline): Uncertain significance. Review status: criteria provided, multiple submitters, no conflicts (2 of 4 stars). 3 submissions from 3 submitters: Uncertain significance (3). Last evaluated 2025-11-26.

Allele frequency attached by ClinVar (database versions not stated): TOPMed 0.00005; gnomAD 0.00002; gnomAD exomes 0.00002.
gnomAD v4.1: 10 of 1,501,108 alleles (0.00067%); highest among the groups gnomAD compares: Admixed American, 0.015%; no homozygotes.

Submissions (3):

Ambry Genetics
Classification: Uncertain significance. Last evaluated: 2025-11-26. Review status: criteria provided, single submitter. Criteria: Ambry Variant Classification Scheme 2023. Collection method: clinical testing. Allele origin: germline.

Labcorp Genetics (formerly Invitae), Labcorp
Classification: Uncertain significance. Last evaluated: 2025-11-06. Review status: criteria provided, single submitter. Criteria: Invitae Variant Classification Sherloc (09022015). Collection method: clinical testing. Allele origin: germline.
Comment: This sequence change replaces serine, which is neutral and polar, with leucine, which is neutral and non-polar, at codon 498 of the FSCN2 protein (p.Ser498Leu). The frequency data for this variant in the population databases is considered unreliable, as metrics indicate poor data quality at this position in the gnomAD database. This variant has not been reported in the literature in individuals affected with FSCN2-related conditions. ClinVar contains an entry for this variant (Variation ID: 965943). An algorithm developed to predict the effect of missense changes on protein structure and function (PolyPhen-2) suggests that this variant is likely to be disruptive. In summary, the available evidence is currently insufficient to determine the role of this variant in disease. Therefore, it has been classified as a Variant of Uncertain Significance.

Dasa
Classification: Uncertain significance. Last evaluated: 2025-06-12. Review status: criteria provided, single submitter. Criteria: DASA Assertion Criteria. Collection method: clinical testing. Allele origin: germline.
Comment: NM_012418.4(FSCN2):c.1421C>T (p.Ser474Leu) is a missense variant that results in the substitution of serine with leucine. This variant is rare in population databases. Computational prediction algorithms are consistent with a benign effect. The currently available literature and clinical evidence are not sufficient to establish a definitive association between this variant and the reported condition. Therefore, this variant is classified as a variant of uncertain significance.